The following is an entry in ClinVar:

NM_032043.3(BRIP1):c.1688A>C (p.Asp563Ala)

Gene: BRIP1 (BRCA1 interacting DNA helicase 1; minus strand). Cytogenetic location: 17q23.2.
Variant type: single nucleotide variant.
Coding change: c.1688A>C on transcript NM_032043.3 (MANE Select); coding-DNA position 1688, A replaced by C.
Protein change: p.Asp563Ala; replaces aspartic acid 563 with alanine.
Molecular consequence: missense variant.
Genome position (GRCh38, 1-based): chr17:61,780,946, T>G on the plus strand (A>C on the coding strand, the complement: BRIP1 is on the minus strand). VCF-style: chr17-61780946-T-G. GRCh37 (hg19) VCF-style: chr17-59858307-T-G.
Other names: short protein forms D563A.
Identifiers: ClinVar variation 819820 (VCV000819820.4), dbSNP rs577768294, ClinGen allele CA400480462.

ClinVar aggregate classification (germline): Uncertain significance (1 of 4 stars; one submission).

Conditions:
Hereditary cancer-predisposing syndrome. Also called: Neoplastic Syndromes, Hereditary; Tumor predisposition; Hereditary Cancer Syndrome; Hereditary neoplastic syndrome. Identifiers: Orphanet 140162, MedGen C0027672, MeSH D009386, MONDO:0015356.

Submission:

Ambry Genetics
Classification: Uncertain significance for Hereditary cancer-predisposing syndrome. Last evaluated: 2018-08-01. Review status: criteria provided, single submitter. Criteria: Ambry Variant Classification Scheme 2023. Collection method: clinical testing. Allele origin: germline.
Comment: The p.D563A variant (also known as c.1688A>C), located in coding exon 11 of the BRIP1 gene, results from an A to C substitution at nucleotide position 1688. The aspartic acid at codon 563 is replaced by alanine, an amino acid with dissimilar properties. This amino acid position is well conserved in available vertebrate species. In addition, this alteration is predicted to be tolerated by in silico analysis. Since supporting evidence is limited at this time, the clinical significance of this alteration remains unclear.